The following is an entry in ClinVar:

ClinVar aggregate classification (germline): Uncertain significance. Review status: criteria provided, multiple submitters, no conflicts (2 of 4 stars). 2 submissions from 2 submitters: Uncertain significance (2). Last evaluated 2023-06-25.

Conditions:
Inborn genetic diseases. Identifiers: MedGen C0950123, MeSH D030342.

Allele frequency attached by ClinVar (database versions not stated): gnomAD exomes below 0.00001 and 0.00002; gnomAD 0.00001; TOPMed 0.00002.
gnomAD v4.1: 6 of 1,207,593 alleles (0.0005%); highest among the groups gnomAD compares: Admixed American, 0.013%; no homozygotes.

Submissions (2):

Labcorp Genetics (formerly Invitae), Labcorp
Classification: Uncertain significance. Last evaluated: 2023-06-25. Review status: criteria provided, single submitter. Criteria: Invitae Variant Classification Sherloc (09022015). Collection method: clinical testing. Allele origin: germline.
Comment: This sequence change replaces tyrosine, which is neutral and polar, with cysteine, which is neutral and slightly polar, at codon 1947 of the HUWE1 protein (p.Tyr1947Cys). This variant is present in population databases (no rsID available, gnomAD 0.01%), including at least one homozygous and/or hemizygous individual. This variant has not been reported in the literature in individuals affected with HUWE1-related conditions. ClinVar contains an entry for this variant (Variation ID: 521256). Advanced modeling of protein sequence and biophysical properties (such as structural, functional, and spatial information, amino acid conservation, physicochemical variation, residue mobility, and thermodynamic stability) has been performed at Invitae for this missense variant, however the output from this modeling did not meet the statistical confidence thresholds required to predict the impact of this variant on HUWE1 protein function. In summary, the available evidence is currently insufficient to determine the role of this variant in disease. Therefore, it has been classified as a Variant of Uncertain Significance.

Ambry Genetics
Classification: Uncertain significance for Inborn genetic diseases. Last evaluated: 2016-09-19. Review status: criteria provided, single submitter. Criteria: Ambry exome assertion method (8-5-2015). Collection method: clinical testing. Allele origin: germline. Affected: yes. Observed: 1 variant allele.

NM_031407.7(HUWE1):c.5840A>G (p.Tyr1947Cys)

Gene: HUWE1 (HECT, UBA and WWE domain containing E3 ubiquitin protein ligase 1; minus strand). Cytogenetic location: Xp11.22.
Variant type: single nucleotide variant.
Coding change: c.5840A>G on transcript NM_031407.7 (MANE Select); coding-DNA position 5840, A replaced by G.
Protein change: p.Tyr1947Cys; replaces tyrosine 1947 with cysteine.
Molecular consequence: missense variant.
Genome position (GRCh38, 1-based): chrX:53,576,944, T>C on the plus strand (A>G on the coding strand, the complement: HUWE1 is on the minus strand). VCF-style: chrX-53576944-T-C. GRCh37 (hg19) VCF-style: chrX-53603904-T-C.
Other names: short protein forms Y1947C.
Identifiers: ClinVar variation 521256 (VCV000521256.7), dbSNP rs1483703467, ClinGen allele CA413171986.